The following is an entry in ClinVar:

ClinVar aggregate classification (germline): Pathogenic (1 of 4 stars; one submission).

Submission:

Labcorp Genetics (formerly Invitae), Labcorp
Classification: Pathogenic. Last evaluated: 2024-01-25. Review status: criteria provided, single submitter. Criteria: Invitae Variant Classification Sherloc (09022015). Collection method: clinical testing. Allele origin: unknown.
Comment: This variant is a gross deletion of the genomic region encompassing exon(s) 28-29 of the ABCC6 gene. This deletion is out-of-frame, and is expected to create a premature termination codon and result in an absent or disrupted protein product. Loss-of-function variants in ABCC6 are known to be pathogenic (PMID: 11536079, 17617515). This variant has not been reported in the literature in individuals affected with ABCC6-related conditions. For these reasons, this variant has been classified as Pathogenic.

Literature cited by the submitters: PubMed 11536079; PubMed 17617515.

NC_000016.9:g.(?_16248465)_(16248908_?)del

Gene: ABCC6 (ATP binding cassette subfamily C member 6; minus strand). Cytogenetic location: 16p13.11.
Variant type: Deletion.
Identifiers: ClinVar variation 3243621 (VCV003243621.1).